The following is an entry in ClinVar:

ClinVar aggregate classification (germline): Uncertain significance (1 of 4 stars; one submission).

Conditions:
Peroxisome biogenesis disorder 3A (Zellweger). Also called: Peroxisome biogenesis disorder 3A; PEROXISOMAL BIOGENESIS DISORDER 3A (ZELLWEGER). Identifiers: Orphanet 912, MedGen C3553929, MONDO:0013927, OMIM 614859.

Submission:

Labcorp Genetics (formerly Invitae), Labcorp
Classification: Uncertain significance for Peroxisome biogenesis disorder 3A (Zellweger). Last evaluated: 2022-02-03. Review status: criteria provided, single submitter. Criteria: Invitae Variant Classification Sherloc (09022015). Collection method: clinical testing. Allele origin: germline.
Comment: This sequence change replaces arginine, which is basic and polar, with glycine, which is neutral and non-polar, at codon 180 of the PEX12 protein (p.Arg180Gly). This variant is present in population databases (rs61752103, gnomAD 0.01%). This variant has not been reported in the literature in individuals affected with PEX12-related conditions. ClinVar contains an entry for this variant (Variation ID: 936598). Algorithms developed to predict the effect of missense changes on protein structure and function (SIFT, PolyPhen-2, Align-GVGD) all suggest that this variant is likely to be tolerated. In summary, the available evidence is currently insufficient to determine the role of this variant in disease. Therefore, it has been classified as a Variant of Uncertain Significance.

NM_000286.3(PEX12):c.538C>G (p.Arg180Gly)

Gene: PEX12 (peroxisomal biogenesis factor 12; minus strand). Cytogenetic location: 17q12.
Variant type: single nucleotide variant.
Coding change: c.538C>G on transcript NM_000286.3 (MANE Select); coding-DNA position 538, C replaced by G.
Protein change: p.Arg180Gly; replaces arginine 180 with glycine.
Molecular consequence: missense variant.
Genome position (GRCh38, 1-based): chr17:35,577,180, G>C on the plus strand (C>G on the coding strand, the complement: PEX12 is on the minus strand). VCF-style: chr17-35577180-G-C. GRCh37 (hg19) VCF-style: chr17-33904199-G-C.
Other names: short protein forms R180G.
Identifiers: ClinVar variation 936598 (VCV000936598.7), dbSNP rs61752103, ClinGen allele CA8504895.
Genomic context (GRCh38, chr17:35,577,180, plus strand): 5'-GCTGAACTCCAGCCAGCCTCAGCAGTGGTGAGTGATGCTGAGCTTTTCCTAGGATGTATC[G>C]AAGTTGTTGTACAAGAAACCATCCTTCCCAGGCCATGTTCACAAATGGGTAGGCTGCCAG-3'
Protein context (NP_000277.1, residues 170-190): WEGWFLVQQL[Arg180Gly]YILGKAQHHS